The following is an entry in ClinVar:

NM_001032283.3(TMPO):c.565+2253C>T

Gene: TMPO (thymopoietin; plus strand). Cytogenetic location: 12q23.1.
Variant type: single nucleotide variant.
Coding change: c.565+2253C>T on transcript NM_001032283.3 (MANE Select); 2253 bases into the intron after coding-DNA position 565, C replaced by T.
Molecular consequence: intron variant. On other transcripts: missense variant (1).
Genome position (GRCh38, 1-based): chr12:98,534,091, C>T. VCF-style: chr12-98534091-C-T. GRCh37 (hg19) VCF-style: chr12-98927869-C-T.
Other names: c.1834C>T, p.His612Tyr (NM_003276.2); c.565+2253C>T (NM_001307975.2, NM_001032284.3); short protein forms H612Y.
Identifiers: ClinVar variation 536981 (VCV000536981.11), dbSNP rs201929673, ClinGen allele CA6732496.

ClinVar aggregate classification (germline): Uncertain significance (1 of 4 stars; one submission).

Conditions:
Loeys-Dietz syndrome 2 (LDS2). Also called: AORTIC ANEURYSM, FAMILIAL THORACIC 3; MARFAN SYNDROME, TYPE II; Marfan syndrome, type 2 (formerly); TGFBR2-Related Loeys-Dietz Syndrome; Marfan Syndrome type 2; Marfan like connective tissue disorder. Identifiers: Orphanet 284973, Orphanet 558, MedGen C2674574, MONDO:0012427, OMIM 610168.

Allele frequency attached by ClinVar (database versions not stated): gnomAD 0.00001; gnomAD exomes 0.00003; TOPMed 0.00003; ExAC 0.00004; 1000 Genomes Project 0.00020; 1000 Genomes Project 30x 0.00031.
gnomAD v4.1: 7 of 1,612,636 alleles (0.00043%); highest among the groups gnomAD compares: Admixed American, 0.0083%; no homozygotes.

Submission:

Labcorp Genetics (formerly Invitae), Labcorp
Classification: Uncertain significance for Loeys-Dietz syndrome 2. Last evaluated: 2024-09-17. Review status: criteria provided, single submitter. Criteria: Invitae Variant Classification Sherloc (09022015). Collection method: clinical testing. Allele origin: germline.
Comment: This sequence change replaces histidine, which is basic and polar, with tyrosine, which is neutral and polar, at codon 612 of the TMPO protein (p.His612Tyr). This variant is present in population databases (rs201929673, gnomAD 0.01%). This variant has not been reported in the literature in individuals affected with TMPO-related conditions. ClinVar contains an entry for this variant (Variation ID: 536981). Invitae Evidence Modeling of protein sequence and biophysical properties (such as structural, functional, and spatial information, amino acid conservation, physicochemical variation, residue mobility, and thermodynamic stability) indicates that this missense variant is not expected to disrupt TMPO protein function with a negative predictive value of 80%. In summary, the available evidence is currently insufficient to determine the role of this variant in disease. Therefore, it has been classified as a Variant of Uncertain Significance.